The following is an entry in ClinVar:

ClinVar aggregate classification (germline): Pathogenic (1 of 4 stars; one submission).

Submission:

GeneDx
Classification: Pathogenic. Last evaluated: 2016-01-12. Review status: criteria provided, single submitter. Criteria: GeneDx Variant Classification (06012015). Collection method: clinical testing. Allele origin: germline. Affected: yes.
Comment: The c.3581_3582delACinsG pathogenic variant in the NSD1 gene causes a frameshift starting with codon AsparticAcid 1194, changes this amino acid to a Glycine residue and creates a premature Stop codon at position 25 of the newreading frame, denoted p.D1194GfsX25. This pathogenic variant is predicted to cause loss of normal protein functioneither through protein truncation or nonsense-mediated mRNA decay. It was not observed in approximately 6,500individuals of European and African American ancestry in the NHLBI Exome Sequencing Project, indicating it is nota common benign variant in these populations. Although this pathogenic variant has not been previously reported toour knowledge, multiple other frameshift variants upstream and downstream of this position have been reported in theHuman Gene Mutation Database in association with Sotos syndrome (Stenson et al., 2014).

NM_022455.5(NSD1):c.3581_3582delinsG (p.Asp1194fs)

Gene: NSD1 (nuclear receptor binding SET domain protein 1; plus strand). Cytogenetic location: 5q35.3.
Variant type: Indel.
Coding change: c.3581_3582delinsG on transcript NM_022455.5 (MANE Select); coding-DNA positions 3581 to 3582, AC replaced by G.
Protein change: p.Asp1194fs; shifts the reading frame from aspartic acid 1194.
Molecular consequence: frameshift variant.
Genome position (GRCh38, 1-based): chr5:177,211,980-177,211,981, AC replaced by G. VCF-style: chr5-177211980-AC-G. GRCh37 (hg19) VCF-style: chr5-176638981-AC-G.
Other names: c.2708_2709delACinsG, p.Asp903Glyfs (NM_001365684.2, NM_001409306.1, NM_001409307.1 and 3 more transcripts); c.3581_3582delACinsG, p.Asp1194Glyfs (NM_001409301.1, NM_001409302.1, NM_001409303.1); c.3161_3162delACinsG, p.Asp1054Glyfs (NM_001409304.1); c.2828_2829delACinsG, p.Asp943Glyfs (NM_001409305.1); short protein forms D1194fs, D925fs.
Identifiers: ClinVar variation 280276 (VCV000280276.2), dbSNP rs886041512, ClinGen allele CA10602917.